The following is an entry in ClinVar:

ClinVar aggregate classification (germline): Pathogenic (1 of 4 stars; one submission).

Conditions:
Warts, hypogammaglobulinemia, infections, and myelokathexis. Also called: WHIM syndrome. Identifiers: MedGen C0472817, MONDO:0023880.

Submission:

Labcorp Genetics (formerly Invitae), Labcorp
Classification: Pathogenic for Warts, hypogammaglobulinemia, infections, and myelokathexis. Last evaluated: 2022-08-30. Review status: criteria provided, single submitter. Criteria: Invitae Variant Classification Sherloc (09022015). Collection method: clinical testing. Allele origin: germline.
Comment: For these reasons, this variant has been classified as Pathogenic. Experimental studies have shown that this premature translational stop signal affects CXCR4 function (external communication). Algorithms developed to predict the effect of variants on protein structure and function are not available or were not evaluated for this variant. ClinVar contains an entry for this variant (Variation ID: 574352). This premature translational stop signal has been observed in individual(s) with symptoms consistent with WHIM syndrome (Invitae). In at least one individual the variant was observed to be de novo. This variant is not present in population databases (gnomAD no frequency). This sequence change creates a premature translational stop signal (p.Gly332*) in the CXCR4 gene. While this is not anticipated to result in nonsense mediated decay, it is expected to disrupt the last 21 amino acid(s) of the CXCR4 protein.

NM_003467.3(CXCR4):c.994G>T (p.Gly332Ter)

Gene: CXCR4 (C-X-C motif chemokine receptor 4; minus strand). Cytogenetic location: 2q22.1.
Variant type: single nucleotide variant.
Coding change: c.994G>T on transcript NM_003467.3 (MANE Select); coding-DNA position 994, G replaced by T.
Protein change: p.Gly332Ter; replaces glycine 332 with a stop codon.
Molecular consequence: nonsense.
Genome position (GRCh38, 1-based): chr2:136,114,934, C>A on the plus strand (G>T on the coding strand, the complement: CXCR4 is on the minus strand). VCF-style: chr2-136114934-C-A. GRCh37 (hg19) VCF-style: chr2-136872504-C-A.
Other names: c.1006G>T, p.Gly336Ter (NM_001008540.2); c.1207G>T, p.Gly403Ter (NM_001348056.2); c.1093G>T, p.Gly365Ter (NM_001348059.2); c.949G>T, p.Gly317Ter (NM_001348060.2); short protein forms G332*, G365*, G336*, G403*, G317*.
Identifiers: ClinVar variation 574352 (VCV000574352.10), dbSNP rs1240625960, ClinGen allele CA348657493.
Genomic context (GRCh38, chr2:136,114,934, plus strand): 5'-TGGAGTGAAAACTTGAAGACTCAGACTCAGTGGAAACAGATGAATGTCCACCTCGCTTTC[C>A]TTTGGAGAGGATCTTGAGGCTGGACCCTCTGCTCACAGAGGTGAGTGCGTGCTGGGCAGA-3'